The following is an entry in ClinVar:

ClinVar aggregate classification (germline): Uncertain significance (1 of 4 stars; one submission).

Conditions:
PCNT-related disorder. Also called: PCNT-related condition.

Submission:

PreventionGenetics, part of Exact Sciences
Classification: Uncertain significance for PCNT-related condition. Last evaluated: 2025-01-31. Review status: criteria provided, single submitter. Criteria: ACMG Guidelines, 2015. Collection method: clinical testing. Allele origin: germline.
Comment: The PCNT c.6653T>G variant is predicted to result in the amino acid substitution p.Met2218Arg. To our knowledge, this variant has not been reported in the literature or in a large population database (gnomAD), indicating this variant is rare. At this time, the clinical significance of this variant is uncertain due to the absence of conclusive functional and genetic evidence.

NM_006031.6(PCNT):c.6653T>G (p.Met2218Arg)

Gene: PCNT (pericentrin; plus strand). Cytogenetic location: 21q22.3.
Variant type: single nucleotide variant.
Coding change: c.6653T>G on transcript NM_006031.6 (MANE Select); coding-DNA position 6653, T replaced by G.
Protein change: p.Met2218Arg; replaces methionine 2218 with arginine.
Molecular consequence: missense variant.
Genome position (GRCh38, 1-based): chr21:46,416,571, T>G. VCF-style: chr21-46416571-T-G. GRCh37 (hg19) VCF-style: chr21-47836485-T-G.
Other names: c.6299T>G, p.Met2100Arg (NM_001315529.2); short protein forms M2100R, M2218R.
Identifiers: ClinVar variation 4978819 (VCV004978819.1).
Genomic context (GRCh38, chr21:46,416,571, plus strand): 5'-GTGGCTCCCGCCACCAGAGCCACACTGCAGAGGCTGGGCCCCGGAAGAGCCCGGTCGGGA[T>G]GCTGGACCTGTCTTCCTGGAGCTCCCCTGAGGTCCTCAGGAAGGACTGGACCCTGGAGCC-3'
Protein context (NP_006022.3, residues 2208-2228): EAGPRKSPVG[Met2218Arg]LDLSSWSSPE